The following is an entry in ClinVar:

NM_004958.4(MTOR):c.259A>G (p.Ile87Val)

Gene: MTOR (mechanistic target of rapamycin kinase; minus strand). Cytogenetic location: 1p36.22.
Variant type: single nucleotide variant.
Coding change: c.259A>G on transcript NM_004958.4 (MANE Select); coding-DNA position 259, A replaced by G.
Protein change: p.Ile87Val; replaces isoleucine 87 with valine.
Molecular consequence: missense variant. On other transcripts: 5 prime UTR variant (1).
Genome position (GRCh38, 1-based): chr1:11,258,497, T>C on the plus strand (A>G on the coding strand, the complement: MTOR is on the minus strand). VCF-style: chr1-11258497-T-C. GRCh37 (hg19) VCF-style: chr1-11318554-T-C.
Other names: c.259A>G, p.Ile87Val (NM_001386500.1); c.-881A>G (NM_001386501.1); short protein forms I87V.
Identifiers: ClinVar variation 1498866 (VCV001498866.8), dbSNP rs773018103, ClinGen allele CA590988.
Genomic context (GRCh38, chr1:11,258,497, plus strand): 5'-GCACAAAGGTGAGTGTGTTGTTTTTGTGACCAGAGACTCTGTCCTTACCTATGGCCAAGA[T>C]GCCACCTTTCCTCTCATTGGCATCTGAGCTGGAAACCAATTCAAAAATGTGATGGTTCAG-3'
Protein context (NP_004949.1, residues 77-97): SSDANERKGG[Ile87Val]LAIASLIGVE

ClinVar aggregate classification (germline): Uncertain significance (1 of 4 stars; one submission).

Allele frequency attached by ClinVar (database versions not stated): gnomAD exomes below 0.00001 and 0.00001; gnomAD 0.00001; ExAC 0.00002.
gnomAD v4.1: 9 of 1,613,528 alleles (0.00056%); highest among the groups gnomAD compares: South Asian, 0.0088%; no homozygotes.

Submission:

Labcorp Genetics (formerly Invitae), Labcorp
Classification: Uncertain significance. Last evaluated: 2020-12-29. Review status: criteria provided, single submitter. Criteria: Invitae Variant Classification Sherloc (09022015). Collection method: clinical testing. Allele origin: germline.
Comment: In summary, the available evidence is currently insufficient to determine the role of this variant in disease. Therefore, it has been classified as a Variant of Uncertain Significance. Advanced modeling of protein sequence and biophysical properties (such as structural, functional, and spatial information, amino acid conservation, physicochemical variation, residue mobility, and thermodynamic stability) performed at Invitae indicates that this missense variant is not expected to disrupt MTOR protein function. This variant has not been reported in the literature in individuals with MTOR-related conditions. This variant is present in population databases (rs773018103, ExAC 0.01%). This sequence change replaces isoleucine with valine at codon 87 of the MTOR protein (p.Ile87Val). The isoleucine residue is moderately conserved and there is a small physicochemical difference between isoleucine and valine.